The following is an entry in ClinVar:

NM_000179.3(MSH6):c.2379T>A (p.Asp793Glu)

Gene: MSH6 (mutS homolog 6; plus strand). Cytogenetic location: 2p16.3.
Variant type: single nucleotide variant.
Coding change: c.2379T>A on transcript NM_000179.3 (MANE Select); coding-DNA position 2379, T replaced by A.
Protein change: p.Asp793Glu; replaces aspartic acid 793 with glutamic acid.
Molecular consequence: missense variant.
Genome position (GRCh38, 1-based): chr2:47,800,362, T>A. VCF-style: chr2-47800362-T-A. GRCh37 (hg19) VCF-style: chr2-48027501-T-A.
Other names: c.2082T>A, p.Asp694Glu (NM_001406797.1, NM_001406805.1, NM_001406801.1 and 10 more transcripts); c.2379T>A, p.Asp793Glu (NM_001406798.1, NM_001406800.1, NM_001406796.1 and 2 more transcripts); c.2301T>A, p.Asp767Glu (NM_001406804.1); c.1854T>A, p.Asp618Glu (NM_001406806.1, NM_001406799.1, NM_001406807.1); c.2475T>A, p.Asp825Glu (NM_001406802.1, NM_001406795.1); c.1989T>A, p.Asp663Glu (NM_001281492.2); c.1473T>A, p.Asp491Glu (NM_001281493.2, NM_001281494.2, NM_001406811.1 and 6 more transcripts); c.2385T>A, p.Asp795Glu (NM_001406813.1); and 1 more; short protein forms D767E, D795E, D825E, D694E, D737E, D618E, D663E, D793E.
Identifiers: ClinVar variation 1790403 (VCV001790403.4), dbSNP rs2104403683, ClinGen allele CA346753736.

ClinVar aggregate classification (germline): Uncertain significance. Review status: criteria provided, multiple submitters, no conflicts (2 of 4 stars). 3 submissions from 3 submitters: Uncertain significance (3). Last evaluated 2023-12-13.

Conditions:
Lynch syndrome. Identifiers: Orphanet 144, MedGen C4552100, MONDO:0005835. Disease mechanism: loss of function.
Hereditary cancer-predisposing syndrome. Also called: Hereditary Cancer Syndrome; Hereditary neoplastic syndrome; Tumor predisposition; Neoplastic Syndromes, Hereditary. Identifiers: Orphanet 140162, MedGen C0027672, MeSH D009386, MONDO:0015356.

Submissions (3):

All of Us Research Program, National Institutes of Health
Classification: Uncertain significance for Lynch syndrome. Last evaluated: 2023-12-13. Review status: criteria provided, single submitter. Criteria: ACMG Guidelines, 2015. Collection method: clinical testing. Allele origin: germline. Inheritance: Autosomal dominant inheritance. Observed: 1 variant allele, 1 heterozygote.
Comment: This missense variant replaces aspartic acid with glutamic acid at codon 793 of the MSH6 protein. Computational prediction is inconclusive regarding the impact of this variant on protein structure and function (internally defined REVEL score threshold 0.5 < inconclusive < 0.7, PMID: 27666373). To our knowledge, functional studies have not been reported for this variant. This variant has not been reported in individuals affected with MSH6-related disorders in the literature. This variant has not been identified in the general population by the Genome Aggregation Database (gnomAD). The available evidence is insufficient to determine the role of this variant in disease conclusively. Therefore, this variant is classified as a Variant of Uncertain Significance.

This study involves interpretation of variants in research participants for the purpose of population health screening. Participant phenotype was not available at the time of variant classification. Additional details can be found in publication PMID: 35346344, PMCID: PMC8962531

Color Diagnostics, LLC DBA Color Health
Classification: Uncertain significance for Hereditary cancer-predisposing syndrome. Last evaluated: 2023-11-15. Review status: criteria provided, single submitter. Criteria: ACMG Guidelines, 2015. Collection method: clinical testing. Allele origin: germline.
Comment: This missense variant replaces aspartic acid with glutamic acid at codon 793 of the MSH6 protein. Computational prediction is inconclusive regarding the impact of this variant on protein structure and function. To our knowledge, functional studies have not been reported for this variant. This variant has not been reported in individuals affected with MSH6-related disorders in the literature. This variant has not been identified in the general population by the Genome Aggregation Database (gnomAD). The available evidence is insufficient to determine the role of this variant in disease conclusively. Therefore, this variant is classified as a Variant of Uncertain Significance.

Ambry Genetics
Classification: Uncertain significance for Hereditary cancer-predisposing syndrome. Last evaluated: 2019-09-26. Review status: criteria provided, single submitter. Criteria: Ambry Variant Classification Scheme 2023. Collection method: clinical testing. Allele origin: germline.
Comment: The p.D793E variant (also known as c.2379T>A), located in coding exon 4 of the MSH6 gene, results from a T to A substitution at nucleotide position 2379. The aspartic acid at codon 793 is replaced by glutamic acid, an amino acid with highly similar properties. This amino acid position is well conserved in available vertebrate species. In addition, the in silico prediction for this alteration is inconclusive. Since supporting evidence is limited at this time, the clinical significance of this alteration remains unclear.